The following is an entry in ClinVar:

NM_001330311.2(DVL1):c.2047G>A (p.Ala683Thr)

Gene: DVL1 (dishevelled segment polarity protein 1; minus strand). Cytogenetic location: 1p36.33.
Variant type: single nucleotide variant.
Coding change: c.2047G>A on transcript NM_001330311.2 (MANE Select); coding-DNA position 2047, G replaced by A.
Protein change: p.Ala683Thr; replaces alanine 683 with threonine.
Molecular consequence: missense variant.
Genome position (GRCh38, 1-based): chr1:1,336,183, C>T on the plus strand (G>A on the coding strand, the complement: DVL1 is on the minus strand). VCF-style: chr1-1336183-C-T. GRCh37 (hg19) VCF-style: chr1-1271563-C-T.
Other names: c.1972G>A, p.Ala658Thr (NM_004421.3); short protein forms A683T, A658T.
Identifiers: ClinVar variation 1985396 (VCV001985396.4), dbSNP rs1418069373, ClinGen allele CA337853723.

ClinVar aggregate classification (germline): Uncertain significance (1 of 4 stars; one submission).

Allele frequency attached by ClinVar (database versions not stated): gnomAD 0.00001; TOPMed 0.00002.

Submission:

Labcorp Genetics (formerly Invitae), Labcorp
Classification: Uncertain significance. Last evaluated: 2024-06-20. Review status: criteria provided, single submitter. Criteria: Invitae Variant Classification Sherloc (09022015). Collection method: clinical testing. Allele origin: germline.
Comment: This sequence change replaces alanine, which is neutral and non-polar, with threonine, which is neutral and polar, at codon 658 of the DVL1 protein (p.Ala658Thr). This variant is not present in population databases (gnomAD no frequency). This variant has not been reported in the literature in individuals affected with DVL1-related conditions. ClinVar contains an entry for this variant (Variation ID: 1985396). Advanced modeling of protein sequence and biophysical properties (such as structural, functional, and spatial information, amino acid conservation, physicochemical variation, residue mobility, and thermodynamic stability) performed at Invitae indicates that this missense variant is not expected to disrupt DVL1 protein function with a negative predictive value of 80%. In summary, the available evidence is currently insufficient to determine the role of this variant in disease. Therefore, it has been classified as a Variant of Uncertain Significance.